The following is an entry in ClinVar:

ClinVar aggregate classification (germline): Uncertain significance (1 of 4 stars; one submission).

Conditions:
Cardiovascular phenotype. Identifiers: MedGen CN230736.

Allele frequency attached by ClinVar (database versions not stated): gnomAD 0.00001; ExAC 0.00005.
gnomAD v4.1: 23 of 1,613,992 alleles (0.0014%); highest among the groups gnomAD compares: South Asian, 0.025%; no homozygotes.

Submission:

Ambry Genetics
Classification: Uncertain significance for Cardiovascular phenotype. Last evaluated: 2023-01-28. Review status: criteria provided, single submitter. Criteria: Ambry Variant Classification Scheme 2023. Collection method: clinical testing. Allele origin: germline.
Comment: The p.F2187L variant (also known as c.6559T>C), located in coding exon 38 of the ANK2 gene, results from a T to C substitution at nucleotide position 6559. The phenylalanine at codon 2187 is replaced by leucine, an amino acid with highly similar properties. This amino acid position is conserved. In addition, this alteration is predicted to be tolerated by in silico analysis. Since supporting evidence is limited at this time, the clinical significance of this alteration remains unclear.

NM_001148.6(ANK2):c.6559T>C (p.Phe2187Leu)

Gene: ANK2 (ankyrin 2; plus strand). Cytogenetic location: 4q26.
Variant type: single nucleotide variant.
Coding change: c.6559T>C on transcript NM_001148.6 (MANE Select); coding-DNA position 6559, T replaced by C.
Protein change: p.Phe2187Leu; replaces phenylalanine 2187 with leucine.
Molecular consequence: missense variant. On other transcripts: intron variant (68).
Genome position (GRCh38, 1-based): chr4:113,355,177, T>C. VCF-style: chr4-113355177-T-C. GRCh37 (hg19) VCF-style: chr4-114276333-T-C.
Other names: c.6325T>C, p.Phe2109Leu (NM_001386142.1); c.2959T>C, p.Phe987Leu (NM_001386166.1); c.6700T>C, p.Phe2234Leu (NM_001386174.1); c.6676T>C, p.Phe2226Leu (NM_001386175.1); c.4411+4928T>C (NM_001386186.2, NM_001386148.2); c.4213+4928T>C (NM_001354269.3); c.4291+4928T>C (NM_001386187.2); c.4252+4928T>C (NM_001386147.1); and 35 more; short protein forms F987L, F2226L, F2109L, F2187L, F2234L.
Identifiers: ClinVar variation 2450648 (VCV002450648.2), dbSNP rs771549067, ClinGen allele CA3051433.